The following is an entry in ClinVar:

NM_007348.4(ATF6):c.1916A>C (p.Asp639Ala)

Gene: ATF6 (activating transcription factor 6; plus strand). Cytogenetic location: 1q23.3.
Variant type: single nucleotide variant.
Coding change: c.1916A>C on transcript NM_007348.4 (MANE Select); coding-DNA position 1916, A replaced by C.
Protein change: p.Asp639Ala; replaces aspartic acid 639 with alanine.
Molecular consequence: missense variant.
Genome position (GRCh38, 1-based): chr1:161,958,557, A>C. VCF-style: chr1-161958557-A-C. GRCh37 (hg19) VCF-style: chr1-161928347-A-C.
Other names: c.1913A>C, p.Asp638Ala (NM_001410890.1); short protein forms D639A, D638A.
Identifiers: ClinVar variation 2104336 (VCV002104336.4), dbSNP rs760620966, ClinGen allele CA1214634.

ClinVar aggregate classification (germline): Uncertain significance (1 of 4 stars; one submission).

Allele frequency attached by ClinVar (database versions not stated): TOPMed below 0.00001; ExAC 0.00001; gnomAD exomes 0.00001.
gnomAD v4.1: 10 of 1,614,102 alleles (0.00062%); highest among the groups gnomAD compares: Non-Finnish European, 0.00085%; no homozygotes.

Submission:

Labcorp Genetics (formerly Invitae), Labcorp
Classification: Uncertain significance. Last evaluated: 2022-04-19. Review status: criteria provided, single submitter. Criteria: Invitae Variant Classification Sherloc (09022015). Collection method: clinical testing. Allele origin: germline.
Comment: This sequence change replaces aspartic acid, which is acidic and polar, with alanine, which is neutral and non-polar, at codon 639 of the ATF6 protein (p.Asp639Ala). This variant is present in population databases (rs760620966, gnomAD 0.0009%). This variant has not been reported in the literature in individuals affected with ATF6-related conditions. Algorithms developed to predict the effect of missense changes on protein structure and function output the following: SIFT: "Tolerated"; PolyPhen-2: "Benign"; Align-GVGD: "Class C0". The alanine amino acid residue is found in multiple mammalian species, which suggests that this missense change does not adversely affect protein function. In summary, the available evidence is currently insufficient to determine the role of this variant in disease. Therefore, it has been classified as a Variant of Uncertain Significance.